The following is an entry in ClinVar:

NM_001135649.3(FOXI3):c.374G>T (p.Gly125Val)

Gene: FOXI3 (forkhead box I3; minus strand). Cytogenetic location: 2p11.2.
Variant type: single nucleotide variant.
Coding change: c.374G>T on transcript NM_001135649.3 (MANE Select); coding-DNA position 374, G replaced by T.
Protein change: p.Gly125Val; replaces glycine 125 with valine.
Molecular consequence: missense variant.
Genome position (GRCh38, 1-based): chr2:88,452,162, C>A on the plus strand (G>T on the coding strand, the complement: FOXI3 is on the minus strand). VCF-style: chr2-88452162-C-A. GRCh37 (hg19) VCF-style: chr2-88751681-C-A.
Other names: short protein forms G125V.
Identifiers: ClinVar variation 1487381 (VCV001487381.6), dbSNP rs1252638614, ClinGen allele CA347766490.

ClinVar aggregate classification (germline): Uncertain significance (1 of 4 stars; one submission).

Allele frequency attached by ClinVar (database versions not stated): gnomAD exomes 0.00002.

Submission:

Labcorp Genetics (formerly Invitae), Labcorp
Classification: Uncertain significance. Last evaluated: 2022-01-27. Review status: criteria provided, single submitter. Criteria: Invitae Variant Classification Sherloc (09022015). Collection method: clinical testing. Allele origin: germline.
Comment: In summary, the available evidence is currently insufficient to determine the role of this variant in disease. Therefore, it has been classified as a Variant of Uncertain Significance. Experimental studies and prediction algorithms are not available or were not evaluated, and the functional significance of this variant is currently unknown. This variant has not been reported in the literature in individuals affected with FOXI3-related conditions. The frequency data for this variant in the population databases is considered unreliable, as metrics indicate poor data quality at this position in the gnomAD database. This sequence change replaces glycine, which is neutral and non-polar, with valine, which is neutral and non-polar, at codon 125 of the FOXI3 protein (p.Gly125Val).